The following is an entry in ClinVar:

ClinVar aggregate classification (germline): Uncertain significance (1 of 4 stars; one submission).

Allele frequency attached by ClinVar (database versions not stated): 1000 Genomes Project 30x 0.00016.
gnomAD v4.1: 10 of 1,614,106 alleles (0.00062%); highest among the groups gnomAD compares: Admixed American, 0.0067%; no homozygotes.

Submission:

Labcorp Genetics (formerly Invitae), Labcorp
Classification: Uncertain significance. Last evaluated: 2022-06-22. Review status: criteria provided, single submitter. Criteria: Invitae Variant Classification Sherloc (09022015). Collection method: clinical testing. Allele origin: germline.
Comment: This sequence change replaces arginine, which is basic and polar, with proline, which is neutral and non-polar, at codon 4136 of the DNAH9 protein (p.Arg4136Pro). This variant is present in population databases (rs143624582, gnomAD 0.009%). This variant has not been reported in the literature in individuals affected with DNAH9-related conditions. Algorithms developed to predict the effect of missense changes on protein structure and function are either unavailable or do not agree on the potential impact of this missense change (SIFT: "Deleterious"; PolyPhen-2: "Possibly Damaging"; Align-GVGD: "Class C0"). In summary, the available evidence is currently insufficient to determine the role of this variant in disease. Therefore, it has been classified as a Variant of Uncertain Significance.

NM_001372.4(DNAH9):c.12407G>C (p.Arg4136Pro)

Gene: DNAH9 (dynein axonemal heavy chain 9; plus strand). Cytogenetic location: 17p12.
Variant type: single nucleotide variant.
Coding change: c.12407G>C on transcript NM_001372.4 (MANE Select); coding-DNA position 12407, G replaced by C.
Protein change: p.Arg4136Pro; replaces arginine 4136 with proline.
Molecular consequence: missense variant.
Genome position (GRCh38, 1-based): chr17:11,933,989, G>C. VCF-style: chr17-11933989-G-C. GRCh37 (hg19) VCF-style: chr17-11837306-G-C.
Other names: c.1343G>C, p.Arg448Pro (NM_004662.2); short protein forms R4136P, R448P.
Identifiers: ClinVar variation 1990170 (VCV001990170.1), dbSNP rs143624582, ClinGen allele CA8398149.